The following is an entry in ClinVar:

ClinVar aggregate classification (germline): Benign/Likely benign. Review status: criteria provided, multiple submitters, no conflicts (2 of 4 stars). 3 submissions from 3 submitters: Benign (1); Likely benign (1). 1 of the submissions does not count toward it. Last evaluated 2026-01-26.

Conditions:
Maple syrup urine disease type 1A (MSUD1A). Also called: MSUD type 1A. Identifiers: MedGen C1855369, MONDO:0023691, OMIM 248600.
DBT-related disorder. Also called: DBT-related condition.
Maple syrup urine disease (MSUD). Identifiers: Orphanet 511, MedGen C0024776, MeSH D008375, MONDO:0009563. Disease mechanism: loss of function.

Allele frequency attached by ClinVar (database versions not stated): gnomAD 0.00456.

Submissions (3):

Labcorp Genetics (formerly Invitae), Labcorp
Classification: Likely benign for Maple syrup urine disease. Last evaluated: 2026-01-26. Review status: criteria provided, single submitter. Criteria: Invitae Variant Classification Sherloc (09022015). Collection method: clinical testing. Allele origin: germline.

ARUP Laboratories, Molecular Genetics and Genomics, ARUP Laboratories
Classification: Benign for Maple syrup urine disease type 1A. Last evaluated: 2023-11-11. Review status: criteria provided, single submitter. Criteria: ARUP Molecular Germline Variant Investigation Process 2024. Collection method: clinical testing. Allele origin: germline.

PreventionGenetics, part of Exact Sciences
Classification: Likely benign for DBT-related condition. Last evaluated: 2022-07-08. Review status: no assertion criteria provided. Collection method: clinical testing. Allele origin: germline. Not counted in ClinVar's aggregate classification.
Comment: This variant is classified as likely benign based on ACMG/AMP sequence variant interpretation guidelines (Richards et al. 2015 PMID: 25741868, with internal and published modifications).

NM_001918.5(DBT):c.1282-13_1282-9del

Gene: DBT (dihydrolipoamide branched chain transacylase E2; minus strand). Cytogenetic location: 1p21.2.
Variant type: Deletion.
Coding change: c.1282-13_1282-9del on transcript NM_001918.5 (MANE Select); 13 bases into the intron before coding-DNA position 1282 through 9 bases into the intron before coding-DNA position 1282, 5 bases deleted (TTTTC; older notation c.1282-13_1282-9delTTTTC).
Molecular consequence: intron variant.
Genome position (GRCh38, 1-based): chr1:100,196,431-100,196,435, GAAAA deleted on the plus strand (TTTTC on the coding strand, the reverse complement: DBT is on the minus strand). VCF-style (leftmost placement, unchanged base first): chr1-100196430-TGAAAA-T. GRCh37 (hg19) VCF-style: chr1-100661986-TGAAAA-T.
Other names: c.1282-13_1282-9del5 (NM_001918.3).
Identifiers: ClinVar variation 723169 (VCV000723169.13), dbSNP rs761681999, ClinGen allele CA27599162.